The following is an entry in ClinVar:

ClinVar aggregate classification (germline): Likely benign (1 of 4 stars; one submission).

Submission:

CeGaT Center for Human Genetics Tuebingen
Classification: Likely benign. Last evaluated: 2024-01-01. Review status: criteria provided, single submitter. Criteria: CeGaT Center For Human Genetics Tuebingen Variant Classification Criteria Version 2. Collection method: clinical testing. Allele origin: germline. Affected: yes. Observed: 1 variant allele.
Comment: PRMT7: PM2:Supporting, BP4, BP7

NM_019023.5(PRMT7):c.222C>T (p.Gly74=)

Gene: PRMT7 (protein arginine methyltransferase 7; plus strand). Cytogenetic location: 16q22.1.
Variant type: single nucleotide variant.
Coding change: c.222C>T on transcript NM_019023.5 (MANE Select); coding-DNA position 222, C replaced by T.
Protein change: p.Gly74=; no amino-acid change (glycine 74 retained).
Molecular consequence: synonymous variant. On other transcripts: missense variant (1), 5 prime UTR variant (3), non-coding transcript variant (12), intron variant (1).
Genome position (GRCh38, 1-based): chr16:68,324,772, C>T. VCF-style: chr16-68324772-C-T. GRCh37 (hg19) VCF-style: chr16-68358675-C-T.
Other names: c.222C>T, p.Gly74= (NM_001290018.2, NM_001351143.3, NM_001351144.3 and 1 more transcripts); c.124C>T, p.His42Tyr (NM_001378020.1); c.-16C>T (NM_001378021.1, NM_001378022.1, NM_001378023.1); c.132+3310C>T (NM_001184824.4); short protein forms H42Y.
Identifiers: ClinVar variation 3025692 (VCV003025692.22), dbSNP rs2544232922, ClinGen allele CA496120001.
Genomic context (GRCh38, chr16:68,324,772, plus strand): 5'-TGCCGTGAGCAGGGTGAAGGACAGAGGACAGAAGGCCTTGGTTCTCGACATTGGCACTGG[C>T]ACGGGACTCTTGTCAATGATGGCGGTCACAGCAGGTGCCGACTTCTGCTATGCCATCGAG-3'
Protein context (NP_061896.1, residues 64-84): QKALVLDIGT[Gly74=]TGLLSMMAVT